The following is an entry in ClinVar:

ClinVar aggregate classification (germline): Uncertain significance. Review status: criteria provided, multiple submitters, no conflicts (2 of 4 stars). 6 submissions from 5 submitters: Uncertain significance (6). Last evaluated 2026-04-02.

Conditions:
Adams-Oliver syndrome 5 (AOS5). Identifiers: Orphanet 974, MedGen C4014970, MONDO:0014459, OMIM 616028.
Familial thoracic aortic aneurysm and aortic dissection (TAAD). Also called: Thoracic aortic aneurysms and dissections. Identifiers: Orphanet 91387, MedGen C4707243, MONDO:0019625.
Aortic valve disease 1 (AOVD1). Identifiers: MedGen C3887892, MONDO:0024523, OMIM 109730.

Allele frequency attached by ClinVar (database versions not stated): TOPMed below 0.00001; gnomAD exomes 0.00001.
gnomAD v4.1: 10 of 1,610,498 alleles (0.00062%); highest among the groups gnomAD compares: South Asian, 0.0022%; no homozygotes.

Submissions (6):

Ambry Genetics
Classification: Uncertain significance for Familial thoracic aortic aneurysm and aortic dissection. Last evaluated: 2026-04-02. Review status: criteria provided, single submitter. Criteria: Ambry Variant Classification Scheme 2023. Collection method: clinical testing. Allele origin: germline.
Comment: The p.A1278T variant (also known as c.3832G>A), located in coding exon 23 of the NOTCH1 gene, results from a G to A substitution at nucleotide position 3832. The alanine at codon 1278 is replaced by threonine, an amino acid with similar properties. This amino acid position is conserved. In addition, this alteration is predicted to be tolerated by in silico analysis. Based on the available evidence, the clinical significance of this variant remains unclear.

Labcorp Genetics (formerly Invitae), Labcorp
Classification: Uncertain significance for Adams-Oliver syndrome 5. Last evaluated: 2025-03-26. Review status: criteria provided, single submitter. Criteria: Invitae Variant Classification Sherloc (09022015). Collection method: clinical testing. Allele origin: germline.
Comment: This sequence change replaces alanine, which is neutral and non-polar, with threonine, which is neutral and polar, at codon 1278 of the NOTCH1 protein (p.Ala1278Thr). This variant is not present in population databases (gnomAD no frequency). This variant has not been reported in the literature in individuals affected with NOTCH1-related conditions. ClinVar contains an entry for this variant (Variation ID: 1307857). Invitae Evidence Modeling of protein sequence and biophysical properties (such as structural, functional, and spatial information, amino acid conservation, physicochemical variation, residue mobility, and thermodynamic stability) indicates that this missense variant is not expected to disrupt NOTCH1 protein function with a negative predictive value of 80%. In summary, the available evidence is currently insufficient to determine the role of this variant in disease. Therefore, it has been classified as a Variant of Uncertain Significance.

Genome-Nilou Lab
Classification: Uncertain significance for Adams-Oliver syndrome 5. Last evaluated: 2022-03-15. Review status: criteria provided, single submitter. Criteria: ACMG Guidelines, 2015. Collection method: clinical testing. Allele origin: germline. Affected: no.

Genome-Nilou Lab
Classification: Uncertain significance for Aortic valve disease 1. Last evaluated: 2022-03-15. Review status: criteria provided, single submitter. Criteria: ACMG Guidelines, 2015. Collection method: clinical testing. Allele origin: germline. Affected: no.

CeGaT Center for Human Genetics Tuebingen
Classification: Uncertain significance. Last evaluated: 2022-03-01. Review status: criteria provided, single submitter. Criteria: CeGaT Center For Human Genetics Tuebingen Variant Classification Criteria Version 2. Collection method: clinical testing. Allele origin: germline. Affected: yes. Observed: 1 variant allele.
Comment: NOTCH1: PM2, PP2, BP4

GeneDx
Classification: Uncertain significance. Last evaluated: 2022-02-23. Review status: criteria provided, single submitter. Criteria: GeneDx Variant Classification Process June 2021. Collection method: clinical testing. Allele origin: germline. Affected: yes.
Comment: Has not been previously published as pathogenic or benign to our knowledge; Not observed at significant frequency in large population cohorts (gnomAD); In silico analysis supports that this missense variant does not alter protein structure/function

NM_017617.5(NOTCH1):c.3832G>A (p.Ala1278Thr)

Gene: NOTCH1 (notch receptor 1; minus strand). Cytogenetic location: 9q34.3.
Variant type: single nucleotide variant.
Coding change: c.3832G>A on transcript NM_017617.5 (MANE Select); coding-DNA position 3832, G replaced by A.
Protein change: p.Ala1278Thr; replaces alanine 1278 with threonine.
Molecular consequence: missense variant.
Genome position (GRCh38, 1-based): chr9:136,506,785, C>T on the plus strand (G>A on the coding strand, the complement: NOTCH1 is on the minus strand). VCF-style: chr9-136506785-C-T. GRCh37 (hg19) VCF-style: chr9-139401237-C-T.
Other names: short protein forms A1278T.
Identifiers: ClinVar variation 1307857 (VCV001307857.34), dbSNP rs1406056612, ClinGen allele CA375549084.